The following is an entry in ClinVar:

ClinVar aggregate classification (germline): Likely benign (1 of 4 stars; one submission).

Conditions:
ASIP-related condition.

Submission:

PreventionGenetics, part of Exact Sciences
Classification: Likely benign for ASIP-related condition. Last evaluated: 2025-12-10. Review status: criteria provided, single submitter. Criteria: ACMG Guidelines, 2015. Collection method: clinical testing. Allele origin: germline.
Comment: This variant is classified as likely benign based on ACMG/AMP sequence variant interpretation guidelines (Richards et al. 2015 PMID: 25741868, with internal and published modifications).

NM_001672.3(ASIP):c.45C>G (p.Leu15=)

Genes: AHCY (adenosylhomocysteinase; minus strand), ASIP (agouti signaling protein; plus strand). Cytogenetic location: 20q11.22.
Variant type: single nucleotide variant.
Coding change: c.45C>G on transcript NM_001672.3 (MANE Select); coding-DNA position 45, C replaced by G.
Protein change: p.Leu15=; no amino-acid change (leucine 15 retained).
Molecular consequence: synonymous variant.
Genome position (GRCh38, 1-based): chr20:34,260,419, C>G. VCF-style: chr20-34260419-C-G. GRCh37 (hg19) VCF-style: chr20-32848225-C-G.
Other names: c.45C>G, p.Leu15= (NM_001385218.1).
Identifiers: ClinVar variation 5000602 (VCV005000602.1).
Genomic context (GRCh38, chr20:34,260,419, plus strand): 5'-ACTCAGGCCTCCTGGGATGGATGTCACCCGCTTACTCCTGGCCACCCTGCTGGTCTTCCT[C>G]TGCTTCTTCACTGCCAACAGCCACCTGCCACCTGAGGAGAAGCTCCGAGATGACAGGAGC-3'
Protein context (NP_001663.2, residues 5-25): RLLLATLLVF[Leu15=]CFFTANSHLP